The following is an entry in ClinVar:

ClinVar aggregate classification (germline): Uncertain significance (1 of 4 stars; one submission).

Conditions:
Developmental and epileptic encephalopathy, 1 (DEE1). Also called: X-linked infantile spasms; West's syndrome; Tonic spasms with clustering, arrest of psychomotor development and hypsarrhythmia on EEG; X-Linked Infantile Spasm Syndrome; OHTAHARA SYNDROME, X-LINKED; INFANTILE SPASM SYNDROME, X-LINKED 1. Identifiers: MedGen C3463992, MONDO:0010632, OMIM 308350. Disease mechanism: loss of function.
Autosomal recessive spinocerebellar ataxia 12. Also called: SPINOCEREBELLAR ATAXIA WITH MENTAL RETARDATION AND EPILEPSY. Identifiers: Orphanet 284282, MedGen C3280452, MONDO:0013687, OMIM 614322.

Allele frequency attached by ClinVar (database versions not stated): gnomAD exomes below 0.00001.
gnomAD v4.1: 2 of 1,614,180 alleles (0.00012%); highest among the groups gnomAD compares: Middle Eastern, 0.033%; no homozygotes.

Submission:

Labcorp Genetics (formerly Invitae), Labcorp
Classification: Uncertain significance for Developmental and epileptic encephalopathy, 1; Autosomal recessive spinocerebellar ataxia 12. Last evaluated: 2020-09-24. Review status: criteria provided, single submitter. Criteria: Invitae Variant Classification Sherloc (09022015). Collection method: clinical testing. Allele origin: germline.
Comment: This sequence change replaces aspartic acid with glycine at codon 68 of the WWOX protein (p.Asp68Gly). The aspartic acid residue is moderately conserved and there is a moderate physicochemical difference between aspartic acid and glycine. This variant is not present in population databases (ExAC no frequency). This variant has not been reported in the literature in individuals with WWOX-related disease. Algorithms developed to predict the effect of missense changes on protein structure and function are either unavailable or do not agree on the potential impact of this missense change (SIFT: "no result"; PolyPhen-2: "Possibly Damaging"; Align-GVGD: "no result"). Algorithms developed to predict the effect of sequence changes on RNA splicing suggest that this variant may create or strengthen a splice site, but this prediction has not been confirmed by published transcriptional studies. In summary, the available evidence is currently insufficient to determine the role of this variant in disease. Therefore, it has been classified as a Variant of Uncertain Significance.

NM_016373.4(WWOX):c.203A>G (p.Asp68Gly)

Gene: WWOX (WW domain containing oxidoreductase; plus strand). Cytogenetic location: 16q23.1.
Variant type: single nucleotide variant.
Coding change: c.203A>G on transcript NM_016373.4 (MANE Select); coding-DNA position 203, A replaced by G.
Protein change: p.Asp68Gly; replaces aspartic acid 68 with glycine.
Molecular consequence: missense variant. On other transcripts: 5 prime UTR variant (1), non-coding transcript variant (1).
Genome position (GRCh38, 1-based): chr16:78,109,808, A>G. VCF-style: chr16-78109808-A-G. GRCh37 (hg19) VCF-style: chr16-78143705-A-G.
Other names: c.-137A>G (NM_001291997.2); c.203A>G, p.Asp68Gly (NM_130791.5); short protein forms D68G.
Identifiers: ClinVar variation 582835 (VCV000582835.7), dbSNP rs1567575033, ClinGen allele CA396842207.